The following is an entry in ClinVar:

ClinVar aggregate classification (germline): Conflicting classifications of pathogenicity. Review status: criteria provided, conflicting classifications (1 of 4 stars). 3 submissions from 3 submitters: Uncertain significance (2); Likely benign (1). Last evaluated 2025-06-01.

Conditions:
Cardiovascular phenotype. Identifiers: MedGen CN230736.

Allele frequency attached by ClinVar (database versions not stated): TOPMed below 0.00001; ExAC 0.00003; gnomAD exomes 0.00003; gnomAD 0.00005; 1000 Genomes Project 30x 0.00016; 1000 Genomes Project 0.00020.
gnomAD v4.1: 59 of 1,613,834 alleles (0.0037%); highest among the groups gnomAD compares: Non-Finnish European, 0.00025%; no homozygotes.

Submissions (3):

Ambry Genetics
Classification: Uncertain significance for Cardiovascular phenotype. Last evaluated: 2025-06-01. Review status: criteria provided, single submitter. Criteria: Ambry Variant Classification Scheme 2023. Collection method: clinical testing. Allele origin: germline.
Comment: The p.Q1105K variant (also known as c.3313C>A), located in coding exon 6 of the ALPK3 gene, results from a C to A substitution at nucleotide position 3313. The glutamine at codon 1105 is replaced by lysine, an amino acid with similar properties. This amino acid position is well conserved in available vertebrate species; however, lysine is the reference amino acid in other vertebrate species. In addition, this alteration is predicted to be tolerated by in silico analysis. Since supporting evidence is limited at this time, the clinical significance of this alteration remains unclear.

Labcorp Genetics (formerly Invitae), Labcorp
Classification: Uncertain significance. Last evaluated: 2024-11-24. Review status: criteria provided, single submitter. Criteria: Invitae Variant Classification Sherloc (09022015). Collection method: clinical testing. Allele origin: germline.
Comment: This sequence change replaces glutamine, which is neutral and polar, with lysine, which is basic and polar, at codon 1105 of the ALPK3 protein (p.Gln1105Lys). This variant is present in population databases (rs192527723, gnomAD 0.1%). This variant has not been reported in the literature in individuals affected with ALPK3-related conditions. ClinVar contains an entry for this variant (Variation ID: 1730111). Invitae Evidence Modeling of protein sequence and biophysical properties (such as structural, functional, and spatial information, amino acid conservation, physicochemical variation, residue mobility, and thermodynamic stability) indicates that this missense variant is not expected to disrupt ALPK3 protein function with a negative predictive value of 80%. In summary, the available evidence is currently insufficient to determine the role of this variant in disease. Therefore, it has been classified as a Variant of Uncertain Significance.

Blueprint Genetics
Classification: Likely benign. Last evaluated: 2024-05-20. Review status: criteria provided, single submitter. Criteria: ACMG Guidelines, 2015. Collection method: clinical testing. Allele origin: germline.

NM_020778.5(ALPK3):c.2707C>A (p.Gln903Lys)

Gene: ALPK3 (alpha kinase 3; plus strand). Cytogenetic location: 15q25.3.
Variant type: single nucleotide variant.
Coding change: c.2707C>A on transcript NM_020778.5 (MANE Select); coding-DNA position 2707, C replaced by A.
Protein change: p.Gln903Lys; replaces glutamine 903 with lysine.
Molecular consequence: missense variant.
Genome position (GRCh38, 1-based): chr15:84,857,445, C>A. VCF-style: chr15-84857445-C-A. GRCh37 (hg19) VCF-style: chr15-85400676-C-A.
Other names: short protein forms Q903K.
Identifiers: ClinVar variation 1730111 (VCV001730111.7), dbSNP rs192527723, ClinGen allele CA7709480.